The following is an entry in ClinVar:

ClinVar aggregate classification (germline): not provided (0 of 4 stars; one submission).

Conditions:
Blau syndrome (BLAUS). Also called: ARTHROCUTANEOUVEAL GRANULOMATOSIS; GRANULOMATOSIS, FAMILIAL JUVENILE SYSTEMIC; GRANULOMATOSIS, FAMILIAL, BLAU TYPE; GRANULOMATOUS INFLAMMATORY ARTHRITIS, DERMATITIS, AND UVEITIS, FAMILIAL; JABS SYNDROME. Identifiers: Orphanet 90340, MedGen C5201146, MONDO:0008523, OMIM 186580.

Allele frequency attached by ClinVar (database versions not stated): gnomAD exomes below 0.00001.
gnomAD v4.1: 1 of 1,613,996 alleles (0.000062%); highest among the groups gnomAD compares: South Asian, 0.0011%; no homozygotes.

Submission:

Unité médicale des maladies autoinflammatoires, CHRU Montpellier
No classification provided. Condition: Sarcoidosis, early-onset. Review status: no classification provided. Collection method: not provided. Allele origin: unknown.
Comment: also involved in OMIM 186580 and 266600

NM_001370466.1(NOD2):c.2550-5T>C

Gene: NOD2 (nucleotide binding oligomerization domain containing 2; plus strand). Cytogenetic location: 16q12.1.
Variant type: single nucleotide variant.
Coding change: c.2550-5T>C on transcript NM_001370466.1 (MANE Select); 5 bases into the intron before coding-DNA position 2550, T replaced by C.
Molecular consequence: intron variant.
Genome position (GRCh38, 1-based): chr16:50,719,920, T>C. VCF-style: chr16-50719920-T-C. GRCh37 (hg19) VCF-style: chr16-50753831-T-C.
Other names: c.2631-5T>C (LRG_177t1, NM_022162.3); c.2550-5T>C (NM_001293557.2).
Identifiers: ClinVar variation 97861 (VCV000097861.1), dbSNP rs104895450, ClinGen allele CA150293.